The following is an entry in ClinVar:

ClinVar aggregate classification (germline): Benign. Review status: criteria provided, multiple submitters, no conflicts (2 of 4 stars). 13 submissions from 12 submitters: Benign (11). 2 of the submissions do not count toward it. Last evaluated 2026-02-03.

Conditions:
Lateral meningocele syndrome (LMNS). Also called: NOTCH3-Related Lateral Meningocele Syndrome. Identifiers: Orphanet 2789, MedGen C1851710, MONDO:0007537, OMIM 130720.
Cerebral arteriopathy, autosomal dominant, with subcortical infarcts and leukoencephalopathy, type 1 (CADASIL1). Also called: CASIL; Cerebral arteriopathy with subcortical infarcts and leukoencephalopathy 1; DEMENTIA, HEREDITARY MULTIINFARCT TYPE; CADASIL 1. Identifiers: Orphanet 136, MedGen C4551768, MONDO:0000914, OMIM 125310.

Allele frequency attached by ClinVar (database versions not stated): gnomAD exomes 0.15905 and 0.17471; gnomAD 0.18114 and 0.18171; ExAC 0.18219; ESP Exome Variant Server 0.18341; TOPMed 0.19441; 1000 Genomes Project 30x 0.22033; 1000 Genomes Project 0.22404.
gnomAD v4.1: 260,104 of 1,611,970 alleles (16%); highest among the groups gnomAD compares: East Asian, 37%; 22,816 homozygotes.

Submissions (13):

Labcorp Genetics (formerly Invitae), Labcorp
Classification: Benign. Last evaluated: 2026-02-03. Review status: criteria provided, single submitter. Criteria: Invitae Variant Classification Sherloc (09022015). Collection method: clinical testing. Allele origin: germline.

Blueprint Genetics
Classification: Benign. Last evaluated: 2024-11-28. Review status: criteria provided, single submitter. Criteria: ACMG Guidelines, 2015. Collection method: clinical testing. Allele origin: germline.

Mayo Clinic Laboratories, Mayo Clinic
Classification: Benign. Last evaluated: 2022-04-26. Review status: criteria provided, single submitter. Criteria: ACMG Guidelines, 2015. Collection method: clinical testing. Allele origin: germline. Observed: 983 variant alleles.

Genome-Nilou Lab
Classification: Benign for Cerebral arteriopathy, autosomal dominant, with subcortical infarcts and leukoencephalopathy, type 1. Last evaluated: 2021-09-05. Review status: criteria provided, single submitter. Criteria: ACMG Guidelines, 2015. Collection method: clinical testing. Allele origin: germline. Affected: no.

Genome-Nilou Lab
Classification: Benign for Lateral meningocele syndrome. Last evaluated: 2021-09-05. Review status: criteria provided, single submitter. Criteria: ACMG Guidelines, 2015. Collection method: clinical testing. Allele origin: germline. Affected: no.

GeneDx
Classification: Benign. Last evaluated: 2021-05-12. Review status: criteria provided, single submitter. Criteria: GeneDx Variant Classification Process June 2021. Collection method: clinical testing. Allele origin: germline. Affected: yes.
Comment: This variant is associated with the following publications: (PMID: 16949066, 31288479, 10371548, 21616505, 22153900)

ARUP Laboratories, Molecular Genetics and Genomics, ARUP Laboratories
Classification: Benign. Last evaluated: 2021-01-04. Review status: criteria provided, single submitter. Criteria: ARUP Molecular Germline Variant Investigation Process 2021. Collection method: clinical testing. Allele origin: germline.

Illumina Laboratory Services, Illumina
Classification: Benign for Cerebral arteriopathy, autosomal dominant, with subcortical infarcts and leukoencephalopathy, type 1. Last evaluated: 2018-01-13. Review status: criteria provided, single submitter. Criteria: ICSL Variant Classification Criteria 13 December 2019. Collection method: clinical testing. Allele origin: germline.
Comment: This variant was observed in the ICSL laboratory as part of a predisposition screen in an ostensibly healthy population. It had not been previously curated by ICSL or reported in the Human Gene Mutation Database (HGMD: prior to June 1st, 2018), and was therefore a candidate for classification through an automated scoring system. Utilizing variant allele frequency, disease prevalence and penetrance estimates, and inheritance mode, an automated score was calculated to assess if this variant is too frequent to cause the disease. Based on the score and internal cut-off values, a variant classified as benign is not then subjected to further curation. The score for this variant resulted in a classification of benign for this disease.

Athena Diagnostics
Classification: Benign. Last evaluated: 2017-07-12. Review status: criteria provided, single submitter. Criteria: Athena Diagnostics Criteria. Collection method: clinical testing. Allele origin: germline.

Breakthrough Genomics
Classification: Benign. Review status: criteria provided, single submitter. Criteria: ACMG Guidelines, 2015. Collection method: not provided. Allele origin: germline. Inheritance: Autosomal dominant inheritance. Affected: yes.

PreventionGenetics, part of Exact Sciences
Classification: Benign. Review status: criteria provided, single submitter. Criteria: ACMG Guidelines, 2015. Collection method: clinical testing. Allele origin: germline.

Clinical Genetics DNA and cytogenetics Diagnostics Lab, Erasmus MC, Erasmus Medical Center
Classification: Benign. Review status: no assertion criteria provided. Collection method: clinical testing. Allele origin: germline. Affected: yes. Study: VKGL Data-share Consensus. Not counted in ClinVar's aggregate classification.

Genome Diagnostics Laboratory, Amsterdam University Medical Center
Classification: Benign. Review status: no assertion criteria provided. Collection method: clinical testing. Allele origin: germline. Affected: yes. Study: VKGL Data-share Consensus. Not counted in ClinVar's aggregate classification.

NM_000435.3(NOTCH3):c.303C>T (p.Thr101=)

Gene: NOTCH3 (notch receptor 3; minus strand). Cytogenetic location: 19p13.12.
Variant type: single nucleotide variant.
Coding change: c.303C>T on transcript NM_000435.3 (MANE Select); coding-DNA position 303, C replaced by T.
Protein change: p.Thr101=; no amino-acid change (threonine 101 retained).
Molecular consequence: synonymous variant.
Genome position (GRCh38, 1-based): chr19:15,192,414, G>A on the plus strand (C>T on the coding strand, the complement: NOTCH3 is on the minus strand). VCF-style: chr19-15192414-G-A. GRCh37 (hg19) VCF-style: chr19-15303225-G-A.
Other names: p.Thr101=.
Identifiers: ClinVar variation 256131 (VCV000256131.34), dbSNP rs3815188, ClinGen allele CA9263936.
Genomic context (GRCh38, chr19:15,192,414, plus strand): 5'-CCTCCAGACTCTTCCCCTCTCACCTCGGAAGCCACGGGGGCACCGGCATGAGAATCGGGC[G>A]GTGCCAGCCACCACTGAACTCTGGCAGACACCACGGCCAGCACAGGGGCCTGAGTGACAG-3'
Protein context (NP_000426.2, residues 91-111): GVCQSSVVAG[Thr101=]ARFSCRCPRG